The following is an entry in ClinVar:

ClinVar aggregate classification (germline): Uncertain significance (1 of 4 stars; one submission).

Submission:

Labcorp Genetics (formerly Invitae), Labcorp
Classification: Uncertain significance. Last evaluated: 2025-01-29. Review status: criteria provided, single submitter. Criteria: Invitae Variant Classification Sherloc (09022015). Collection method: clinical testing. Allele origin: germline.
Comment: This sequence change replaces tryptophan, which is neutral and slightly polar, with glycine, which is neutral and non-polar, at codon 182 of the MME protein (p.Trp182Gly). This variant is not present in population databases (gnomAD no frequency). This variant has not been reported in the literature in individuals affected with MME-related conditions. Invitae Evidence Modeling of protein sequence and biophysical properties (such as structural, functional, and spatial information, amino acid conservation, physicochemical variation, residue mobility, and thermodynamic stability) has been performed for this missense variant. However, the output from this modeling did not meet the statistical confidence thresholds required to predict the impact of this variant on MME protein function. In summary, the available evidence is currently insufficient to determine the role of this variant in disease. Therefore, it has been classified as a Variant of Uncertain Significance.

NM_007289.4(MME):c.544T>G (p.Trp182Gly)

Gene: MME (membrane metalloendopeptidase; plus strand). Cytogenetic location: 3q25.2.
Variant type: single nucleotide variant.
Coding change: c.544T>G on transcript NM_007289.4 (MANE Select); coding-DNA position 544, T replaced by G.
Protein change: p.Trp182Gly; replaces tryptophan 182 with glycine.
Molecular consequence: missense variant.
Genome position (GRCh38, 1-based): chr3:155,116,876, T>G. VCF-style: chr3-155116876-T-G. GRCh37 (hg19) VCF-style: chr3-154834665-T-G.
Other names: c.544T>G, p.Trp182Gly (NM_000902.5, NM_001354642.2, NM_001354643.1 and 2 more transcripts); short protein forms W182G.
Identifiers: ClinVar variation 3664180 (VCV003664180.2).
Genomic context (GRCh38, chr3:155,116,876, plus strand): 5'-TCATTAGTGAACTAAAGCTTCTAAAGATATATTTTATCTTTTATTGCTTTAGGTGCTTCT[T>G]GGACAGCTGAAAAAGCTATTGCACAACTGAATTCTAAATATGGGAAAAAAGTCCTTATTA-3'
Protein context (NP_009220.2, residues 172-192): ENWEQKYGAS[Trp182Gly]TAEKAIAQLN